The following is an entry in ClinVar:

ClinVar aggregate classification (germline): Uncertain significance. Review status: criteria provided, multiple submitters, no conflicts (2 of 4 stars). 4 submissions from 4 submitters: Uncertain significance (4). Last evaluated 2025-03-17.

Conditions:
Inborn genetic diseases. Identifiers: MedGen C0950123, MeSH D030342.

Allele frequency attached by ClinVar (database versions not stated): gnomAD 0.00001; gnomAD exomes below 0.00001 and 0.00001; TOPMed 0.00002.
gnomAD v4.1: 12 of 1,612,154 alleles (0.00074%); highest among the groups gnomAD compares: South Asian, 0.0033%; no homozygotes.

Submissions (4):

Ambry Genetics
Classification: Uncertain significance for Inborn genetic diseases. Last evaluated: 2025-03-17. Review status: criteria provided, single submitter. Criteria: Ambry Variant Classification Scheme 2023. Collection method: clinical testing. Allele origin: germline.

Blueprint Genetics
Classification: Uncertain significance. Last evaluated: 2024-09-06. Review status: criteria provided, single submitter. Criteria: ACMG Guidelines, 2015. Collection method: clinical testing. Allele origin: germline.

GeneDx
Classification: Uncertain significance. Last evaluated: 2023-08-25. Review status: criteria provided, single submitter. Criteria: GeneDx Variant Classification Process June 2021. Collection method: clinical testing. Allele origin: germline. Affected: yes.
Comment: Not observed at significant frequency in large population cohorts (gnomAD); In silico analysis supports that this missense variant has a deleterious effect on protein structure/function; Has not been previously published as pathogenic or benign to our knowledge

Eurofins Ntd Llc (ga)
Classification: Uncertain significance. Last evaluated: 2013-12-27. Review status: criteria provided, single submitter. Criteria: EGL Classification Definitions 2015. Collection method: clinical testing. Allele origin: germline. Observed: 1 variant allele, 1 heterozygote.

NM_022124.6(CDH23):c.8867G>A (p.Arg2956His)

Gene: CDH23 (cadherin related 23; plus strand). Cytogenetic location: 10q22.1.
Variant type: single nucleotide variant.
Coding change: c.8867G>A on transcript NM_022124.6 (MANE Select); coding-DNA position 8867, G replaced by A.
Protein change: p.Arg2956His; replaces arginine 2956 with histidine.
Molecular consequence: missense variant.
Genome position (GRCh38, 1-based): chr10:71,809,964, G>A. VCF-style: chr10-71809964-G-A. GRCh37 (hg19) VCF-style: chr10-73569721-G-A.
Other names: c.2147G>A, p.Arg716His (NM_001171933.1, NM_001171934.1); c.8867G>A (NM_022124.5); short protein forms R2956H, R716H.
Identifiers: ClinVar variation 166815 (VCV000166815.8), dbSNP rs727503842, ClinGen allele CA233650.